The following is an entry in ClinVar:

ClinVar aggregate classification (germline): Likely benign. Review status: criteria provided, multiple submitters, no conflicts (2 of 4 stars). 3 submissions from 3 submitters: Likely benign (3). Last evaluated 2025-01-14.

Conditions:
Hereditary cancer-predisposing syndrome. Also called: Neoplastic Syndromes, Hereditary; Tumor predisposition; Hereditary neoplastic syndrome; Hereditary Cancer Syndrome. Identifiers: Orphanet 140162, MedGen C0027672, MeSH D009386, MONDO:0015356.
Parathyroid carcinoma (PRTC). Also called: CDC73-Related Parathyroid Carcinoma; Parathyroid gland carcinoma. Identifiers: Orphanet 143, MedGen C0687150, MONDO:0012004, OMIM 608266, HP:0006780.

Allele frequency attached by ClinVar (database versions not stated): TOPMed below 0.00001.

Submissions (3):

Labcorp Genetics (formerly Invitae), Labcorp
Classification: Likely benign for Parathyroid carcinoma. Last evaluated: 2025-01-14. Review status: criteria provided, single submitter. Criteria: Invitae Variant Classification Sherloc (09022015). Collection method: clinical testing. Allele origin: germline.

CeGaT Center for Human Genetics Tuebingen
Classification: Likely benign. Last evaluated: 2023-01-01. Review status: criteria provided, single submitter. Criteria: CeGaT Center For Human Genetics Tuebingen Variant Classification Criteria Version 2. Collection method: clinical testing. Allele origin: germline. Affected: yes. Observed: 1 variant allele.
Comment: CDC73: PM2:Supporting, BP4, BP7

Ambry Genetics
Classification: Likely benign for Hereditary cancer-predisposing syndrome. Last evaluated: 2019-08-04. Review status: criteria provided, single submitter. Criteria: Ambry Variant Classification Scheme 2023. Collection method: clinical testing. Allele origin: germline.

NM_024529.5(CDC73):c.1161C>T (p.Val387=)

Gene: CDC73 (cell division cycle 73; plus strand). Cytogenetic location: 1q31.2.
Variant type: single nucleotide variant.
Coding change: c.1161C>T on transcript NM_024529.5 (MANE Select); coding-DNA position 1161, C replaced by T.
Protein change: p.Val387=; no amino-acid change (valine 387 retained).
Molecular consequence: synonymous variant.
Genome position (GRCh38, 1-based): chr1:193,232,999, C>T. VCF-style: chr1-193232999-C-T. GRCh37 (hg19) VCF-style: chr1-193202129-C-T.
Identifiers: ClinVar variation 696457 (VCV000696457.39), dbSNP rs1572215263, ClinGen allele CA422491779.